The following is an entry in ClinVar:

ClinVar aggregate classification (germline): Uncertain significance. Review status: criteria provided, multiple submitters, no conflicts (2 of 4 stars). 2 submissions from 2 submitters: Uncertain significance (2). Last evaluated 2023-10-24.

Conditions:
Renal cell carcinoma. Identifiers: Orphanet 217071, MedGen C0007134, MeSH D002292, MONDO:0005086, HP:0005584.
Autosomal recessive nonsyndromic hearing loss 97. Also called: Deafness, autosomal recessive 97. Identifiers: Orphanet 90636, MedGen C4084709, MONDO:0014739, OMIM 616705.

Submissions (2):

Labcorp Genetics (formerly Invitae), Labcorp
Classification: Uncertain significance for Renal cell carcinoma. Last evaluated: 2023-10-24. Review status: criteria provided, single submitter. Criteria: Invitae Variant Classification Sherloc (09022015). Collection method: clinical testing. Allele origin: germline.
Comment: This sequence change replaces methionine, which is neutral and non-polar, with leucine, which is neutral and non-polar, at codon 1268 of the MET protein (p.Met1268Leu). This variant is not present in population databases (gnomAD no frequency). This variant has not been reported in the literature in individuals affected with MET-related conditions. Advanced modeling of protein sequence and biophysical properties (such as structural, functional, and spatial information, amino acid conservation, physicochemical variation, residue mobility, and thermodynamic stability) performed at Invitae indicates that this missense variant is expected to disrupt MET protein function with a positive predictive value of 80%. In summary, the available evidence is currently insufficient to determine the role of this variant in disease. Therefore, it has been classified as a Variant of Uncertain Significance.

Baylor Genetics
Classification: Uncertain significance for Autosomal recessive nonsyndromic hearing loss 97. Last evaluated: 2023-07-14. Review status: criteria provided, single submitter. Criteria: ACMG Guidelines, 2015. Collection method: clinical testing. Allele origin: unknown.

NM_000245.4(MET):c.3748A>T (p.Met1250Leu)

Gene: MET (MET proto-oncogene, receptor tyrosine kinase; plus strand). Cytogenetic location: 7q31.2.
Variant type: single nucleotide variant.
Coding change: c.3748A>T on transcript NM_000245.4 (MANE Select); coding-DNA position 3748, A replaced by T.
Protein change: p.Met1250Leu; replaces methionine 1250 with leucine.
Molecular consequence: missense variant.
Genome position (GRCh38, 1-based): chr7:116,783,419, A>T. VCF-style: chr7-116783419-A-T. GRCh37 (hg19) VCF-style: chr7-116423473-A-T.
Other names: c.3802A>T, p.Met1268Leu (NM_001127500.3); c.2458A>T, p.Met820Leu (NM_001324402.2); short protein forms M1250L, M1268L, M820L.
Identifiers: ClinVar variation 2676523 (VCV002676523.4), dbSNP rs2117066995, ClinGen allele CA368991888.